The following is an entry in ClinVar:

ClinVar aggregate classification (germline): Uncertain significance (1 of 4 stars; one submission).

Conditions:
Hereditary pulmonary alveolar proteinosis. Also called: Pulmonary surfactant metabolism dysfunction. Identifiers: Orphanet 264675, MedGen C3711368, MONDO:0012580.

Submission:

Ambry Genetics
Classification: Uncertain significance for Hereditary pulmonary alveolar proteinosis. Last evaluated: 2025-08-12. Review status: criteria provided, single submitter. Criteria: Ambry Variant Classification Scheme 2023. Collection method: clinical testing. Allele origin: germline.
Comment: The p.S1638R variant (also known as c.4914C>G), located in coding exon 29 of the ABCA3 gene, results from a C to G substitution at nucleotide position 4914. The serine at codon 1638 is replaced by arginine, an amino acid with dissimilar properties. This amino acid position is conserved. In addition, the in silico prediction for this alteration is inconclusive. Based on the available evidence, the clinical significance of this variant remains unclear.

NM_001089.3(ABCA3):c.4914C>G (p.Ser1638Arg)

Gene: ABCA3 (ATP binding cassette subfamily A member 3; minus strand). Cytogenetic location: 16p13.3.
Variant type: single nucleotide variant.
Coding change: c.4914C>G on transcript NM_001089.3 (MANE Select); coding-DNA position 4914, C replaced by G.
Protein change: p.Ser1638Arg; replaces serine 1638 with arginine.
Molecular consequence: missense variant.
Genome position (GRCh38, 1-based): chr16:2,277,666, G>C on the plus strand (C>G on the coding strand, the complement: ABCA3 is on the minus strand). VCF-style: chr16-2277666-G-C. GRCh37 (hg19) VCF-style: chr16-2327667-G-C.
Other names: short protein forms S1638R.
Identifiers: ClinVar variation 4262933 (VCV004262933.1).